The following is an entry in ClinVar:

NM_004985.5(KRAS):c.307G>T (p.Val103Phe)

Gene: KRAS (KRAS proto-oncogene, GTPase; minus strand). Cytogenetic location: 12p12.1.
Variant type: single nucleotide variant.
Coding change: c.307G>T on transcript NM_004985.5 (MANE Select); coding-DNA position 307, G replaced by T.
Protein change: p.Val103Phe; replaces valine 103 with phenylalanine.
Molecular consequence: missense variant.
Genome position (GRCh38, 1-based): chr12:25,225,757, C>A on the plus strand (G>T on the coding strand, the complement: KRAS is on the minus strand). VCF-style: chr12-25225757-C-A. GRCh37 (hg19) VCF-style: chr12-25378691-C-A.
Other names: c.307G>T, p.Val103Phe (NM_001369786.1, NM_001369787.1, NM_033360.4); short protein forms V103F.
Identifiers: ClinVar variation 3635067 (VCV003635067.2).
Genomic context (GRCh38, chr12:25,225,757, plus strand): 5'-TAGAAGGCAAATCACATTTATTTCCTACTAGGACCATAGGTACATCTTCAGAGTCCTTAA[C>A]TCTTTTAATTTGTTCTCTGGGAAAGAAAAAAAAGTTATAGCACAGTCATTAGTAACACAA-3'
Protein context (NP_004976.2, residues 93-113): IHHYREQIKR[Val103Phe]KDSEDVPMVL

ClinVar aggregate classification (germline): Uncertain significance (1 of 4 stars; one submission).

Conditions:
RASopathy. Also called: rasopathies; Noonan spectrum disorder. Identifiers: Orphanet 536391, MedGen C5555857, MONDO:0021060.

Submission:

Labcorp Genetics (formerly Invitae), Labcorp
Classification: Uncertain significance for RASopathy. Last evaluated: 2024-12-31. Review status: criteria provided, single submitter. Criteria: Invitae Variant Classification Sherloc (09022015). Collection method: clinical testing. Allele origin: germline.
Comment: This sequence change replaces valine, which is neutral and non-polar, with phenylalanine, which is neutral and non-polar, at codon 103 of the KRAS protein (p.Val103Phe). This variant is not present in population databases (gnomAD no frequency). This variant has not been reported in the literature in individuals affected with KRAS-related conditions. Invitae Evidence Modeling of protein sequence and biophysical properties (such as structural, functional, and spatial information, amino acid conservation, physicochemical variation, residue mobility, and thermodynamic stability) indicates that this missense variant is expected to disrupt KRAS protein function with a positive predictive value of 95%. In summary, the available evidence is currently insufficient to determine the role of this variant in disease. Therefore, it has been classified as a Variant of Uncertain Significance.